The following is an entry in ClinVar:

ClinVar aggregate classification (germline): Likely benign. Review status: criteria provided, single submitter (1 of 4 stars). 2 submissions from 2 submitters: Likely benign (1). 1 of the submissions does not count toward it. Last evaluated 2023-11-03.

Conditions:
MATR3-related disorder. Also called: MATR3-related condition.
Amyotrophic lateral sclerosis type 21. Also called: VOCAL CORD AND PHARYNGEAL DYSFUNCTION WITH DISTAL MYOPATHY; MYOPATHY, DISTAL, 2. Identifiers: Orphanet 600, Orphanet 803, MedGen C3807521, MONDO:0011632, OMIM 606070.

Allele frequency attached by ClinVar (database versions not stated): gnomAD 0.00001; gnomAD exomes 0.00001.
gnomAD v4.1: 9 of 1,613,960 alleles (0.00056%); highest among the groups gnomAD compares: Non-Finnish European, 0.00076%; no homozygotes.

Submissions (2):

Labcorp Genetics (formerly Invitae), Labcorp
Classification: Likely benign for Amyotrophic lateral sclerosis type 21. Last evaluated: 2023-11-03. Review status: criteria provided, single submitter. Criteria: Invitae Variant Classification Sherloc (09022015). Collection method: clinical testing. Allele origin: germline.

PreventionGenetics, part of Exact Sciences
Classification: Likely benign for MATR3-related condition. Last evaluated: 2023-05-17. Review status: no assertion criteria provided. Collection method: clinical testing. Allele origin: germline. Not counted in ClinVar's aggregate classification.
Comment: This variant is classified as likely benign based on ACMG/AMP sequence variant interpretation guidelines (Richards et al. 2015 PMID: 25741868, with internal and published modifications).

NM_018834.6(MATR3):c.504G>A (p.Glu168=)

Gene: MATR3 (matrin 3; plus strand). Cytogenetic location: 5q31.2.
Variant type: single nucleotide variant.
Coding change: c.504G>A on transcript NM_018834.6 (MANE Select); coding-DNA position 504, G replaced by A.
Protein change: p.Glu168=; no amino-acid change (glutamic acid 168 retained).
Molecular consequence: synonymous variant. On other transcripts: intron variant (11).
Genome position (GRCh38, 1-based): chr5:139,307,919, G>A. VCF-style: chr5-139307919-G-A. GRCh37 (hg19) VCF-style: chr5-138643608-G-A.
Other names: c.504G>A (NM_199189.2); c.504G>A, p.Glu168= (NM_001194954.2, NM_001194955.2, NM_001400441.1 and 16 more transcripts); c.52-6756G>A (NM_001400459.1); c.-102-6756G>A (NM_001400463.1, NM_001400460.1, NM_001282278.2 and 3 more transcripts); c.-40-7778G>A (NM_001400462.1, NM_001400467.1); c.13-6756G>A (NM_001400461.1); c.49-6756G>A (NM_001194956.2).
Identifiers: ClinVar variation 2154288 (VCV002154288.6), dbSNP rs1344804460, ClinGen allele CA446829681.
Genomic context (GRCh38, chr5:139,307,919, plus strand): 5'-GAGAACTGAAGAAGGCCCTACCTTGAGTTATGGTAGAGATGGCAGATCTGCTACACGGGA[G>A]CCACCATACAGAGTACCTAGGGATGATTGGGAAGAAAAAAGGCACTTTAGAAGAGATAGT-3'
Protein context (NP_061322.2, residues 158-178): YGRDGRSATR[Glu168=]PPYRVPRDDW